The following is an entry in ClinVar:

NM_002439.5(MSH3):c.1805A>G (p.His602Arg)

Gene: MSH3 (mutS homolog 3; plus strand). Cytogenetic location: 5q14.1.
Variant type: single nucleotide variant.
Coding change: c.1805A>G on transcript NM_002439.5 (MANE Select); coding-DNA position 1805, A replaced by G.
Protein change: p.His602Arg; replaces histidine 602 with arginine.
Molecular consequence: missense variant.
Genome position (GRCh38, 1-based): chr5:80,761,587, A>G. VCF-style: chr5-80761587-A-G. GRCh37 (hg19) VCF-style: chr5-80057406-A-G.
Other names: c.1805A>G (NM_002439.3); short protein forms H602R.
Identifiers: ClinVar variation 941339 (VCV000941339.11), dbSNP rs77904128, ClinGen allele CA360276548.

ClinVar aggregate classification (germline): Uncertain significance. Review status: criteria provided, multiple submitters, no conflicts (2 of 4 stars). 2 submissions from 2 submitters: Uncertain significance (2). Last evaluated 2024-06-26.

Conditions:
Hereditary cancer-predisposing syndrome. Also called: Hereditary neoplastic syndrome; Neoplastic Syndromes, Hereditary; Tumor predisposition; Hereditary Cancer Syndrome. Identifiers: Orphanet 140162, MedGen C0027672, MeSH D009386, MONDO:0015356.

Allele frequency attached by ClinVar (database versions not stated): gnomAD exomes below 0.00001.
gnomAD v4.1: 1 of 1,614,110 alleles (0.000062%); highest among the groups gnomAD compares: Non-Finnish European, 0.000085%; no homozygotes.

Submissions (2):

Labcorp Genetics (formerly Invitae), Labcorp
Classification: Uncertain significance. Last evaluated: 2024-06-26. Review status: criteria provided, single submitter. Criteria: Invitae Variant Classification Sherloc (09022015). Collection method: clinical testing. Allele origin: germline.
Comment: This sequence change replaces histidine, which is basic and polar, with arginine, which is basic and polar, at codon 602 of the MSH3 protein (p.His602Arg). This variant is not present in population databases (gnomAD no frequency). This variant has not been reported in the literature in individuals affected with MSH3-related conditions. ClinVar contains an entry for this variant (Variation ID: 941339). An algorithm developed to predict the effect of missense changes on protein structure and function (PolyPhen-2) suggests that this variant is likely to be tolerated. In summary, the available evidence is currently insufficient to determine the role of this variant in disease. Therefore, it has been classified as a Variant of Uncertain Significance.

Ambry Genetics
Classification: Uncertain significance for Hereditary cancer-predisposing syndrome. Last evaluated: 2023-04-05. Review status: criteria provided, single submitter. Criteria: Ambry Variant Classification Scheme 2023. Collection method: clinical testing. Allele origin: germline.
Comment: The p.H602R variant (also known as c.1805A>G), located in coding exon 13 of the MSH3 gene, results from an A to G substitution at nucleotide position 1805. The histidine at codon 602 is replaced by arginine, an amino acid with highly similar properties. This amino acid position is conserved. In addition, this alteration is predicted to be tolerated by in silico analysis. Since supporting evidence is limited at this time, the clinical significance of this alteration remains unclear.